The following is an entry in ClinVar:

ClinVar aggregate classification (germline): Uncertain significance (1 of 4 stars; one submission).

Submission:

Labcorp Genetics (formerly Invitae), Labcorp
Classification: Uncertain significance. Last evaluated: 2022-07-25. Review status: criteria provided, single submitter. Criteria: Invitae Variant Classification Sherloc (09022015). Collection method: clinical testing. Allele origin: germline.
Comment: In summary, the available evidence is currently insufficient to determine the role of this variant in disease. Therefore, it has been classified as a Variant of Uncertain Significance. Algorithms developed to predict the effect of missense changes on protein structure and function (SIFT, PolyPhen-2, Align-GVGD) all suggest that this variant is likely to be disruptive. This variant has not been reported in the literature in individuals affected with TALDO1-related conditions. This variant is not present in population databases (gnomAD no frequency). This sequence change replaces isoleucine, which is neutral and non-polar, with serine, which is neutral and polar, at codon 134 of the TALDO1 protein (p.Ile134Ser).

NM_006755.2(TALDO1):c.401T>G (p.Ile134Ser)

Gene: TALDO1 (transaldolase 1; plus strand). Cytogenetic location: 11p15.5.
Variant type: single nucleotide variant.
Coding change: c.401T>G on transcript NM_006755.2 (MANE Select); coding-DNA position 401, T replaced by G.
Protein change: p.Ile134Ser; replaces isoleucine 134 with serine.
Molecular consequence: missense variant.
Genome position (GRCh38, 1-based): chr11:760,193, T>G. VCF-style: chr11-760193-T-G. GRCh37 (hg19) VCF-style: chr11-760193-T-G.
Other names: short protein forms I134S.
Identifiers: ClinVar variation 2019675 (VCV002019675.4), dbSNP rs2494713023, ClinGen allele CA378931782.